The following is an entry in ClinVar:

NM_005097.4(LGI1):c.600C>T (p.Cys200=)

Gene: LGI1 (leucine rich glioma inactivated 1; plus strand). Cytogenetic location: 10q23.33.
Variant type: single nucleotide variant.
Coding change: c.600C>T on transcript NM_005097.4 (MANE Select); coding-DNA position 600, C replaced by T.
Protein change: p.Cys200=; no amino-acid change (cysteine 200 retained).
Molecular consequence: synonymous variant. On other transcripts: non-coding transcript variant (1).
Genome position (GRCh38, 1-based): chr10:93,792,839, C>T. VCF-style: chr10-93792839-C-T. GRCh37 (hg19) VCF-style: chr10-95552596-C-T.
Other names: p.C200C:TGC>TGT; c.600C>T, p.Cys200= (NM_001308275.2); c.456C>T, p.Cys152= (NM_001308276.2).
Identifiers: ClinVar variation 206022 (VCV000206022.19), dbSNP rs148862146, ClinGen allele CA315705.

ClinVar aggregate classification (germline): Conflicting classifications of pathogenicity. Review status: criteria provided, conflicting classifications (1 of 4 stars). 4 submissions from 4 submitters: Uncertain significance (1); Benign (2); Likely benign (1). Last evaluated 2026-01-28.

Conditions:
Inborn genetic diseases. Identifiers: MedGen C0950123, MeSH D030342.
Autosomal dominant epilepsy with auditory features. Identifiers: Orphanet 101046, MedGen C1838062, MONDO:0010898.

Allele frequency attached by ClinVar (database versions not stated): gnomAD exomes 0.00006 and 0.00021; ExAC 0.00020; 1000 Genomes Project 0.00060; gnomAD 0.00068 and 0.00075; TOPMed 0.00079; 1000 Genomes Project 30x 0.00094; ESP Exome Variant Server 0.00100.
gnomAD v4.1: 194 of 1,613,988 alleles (0.012%); highest among the groups gnomAD compares: African/African-American, 0.21%; 1 homozygote.

Submissions (4):

Labcorp Genetics (formerly Invitae), Labcorp
Classification: Benign for Autosomal dominant epilepsy with auditory features. Last evaluated: 2026-01-28. Review status: criteria provided, single submitter. Criteria: Invitae Variant Classification Sherloc (09022015). Collection method: clinical testing. Allele origin: germline.

Ambry Genetics
Classification: Likely benign for Inborn genetic diseases. Last evaluated: 2023-12-16. Review status: criteria provided, single submitter. Criteria: Ambry Variant Classification Scheme 2023. Collection method: clinical testing. Allele origin: germline.

Eurofins Ntd Llc (ga)
Classification: Uncertain significance. Last evaluated: 2017-09-21. Review status: criteria provided, single submitter. Criteria: EGL Classification Definitions 2015. Collection method: clinical testing. Allele origin: germline. Observed: 1 variant allele, 1 heterozygote.

GeneDx
Classification: Benign. Last evaluated: 2014-10-21. Review status: criteria provided, single submitter. Criteria: GeneDx Variant Classification (06012015). Collection method: clinical testing. Allele origin: germline. Affected: yes.
Comment: This variant is considered likely benign or benign based on one or more of the following criteria: it is a conservative change, it occurs at a poorly conserved position in the protein, it is predicted to be benign by multiple in silico algorithms, and/or has population frequency not consistent with disease.